The following is an entry in ClinVar:

ClinVar aggregate classification (germline): Uncertain significance (1 of 4 stars; one submission).

Allele frequency attached by ClinVar (database versions not stated): gnomAD exomes below 0.00001; TOPMed below 0.00001.
gnomAD v4.1: 1 of 1,608,480 alleles (0.000062%); highest among the groups gnomAD compares: Non-Finnish European, 0.000085%; no homozygotes.

Submission:

Labcorp Genetics (formerly Invitae), Labcorp
Classification: Uncertain significance. Last evaluated: 2021-11-12. Review status: criteria provided, single submitter. Criteria: Invitae Variant Classification Sherloc (09022015). Collection method: clinical testing. Allele origin: germline.
Comment: In summary, the available evidence is currently insufficient to determine the role of this variant in disease. Therefore, it has been classified as a Variant of Uncertain Significance. Algorithms developed to predict the effect of missense changes on protein structure and function (SIFT, PolyPhen-2, Align-GVGD) all suggest that this variant is likely to be tolerated. This variant has not been reported in the literature in individuals affected with SBF1-related conditions. This variant is not present in population databases (gnomAD no frequency). This sequence change replaces glutamine, which is neutral and polar, with arginine, which is basic and polar, at codon 1089 of the SBF1 protein (p.Gln1089Arg).

NM_002972.4(SBF1):c.3266A>G (p.Gln1089Arg)

Gene: SBF1 (SET binding factor 1; minus strand). Cytogenetic location: 22q13.33.
Variant type: single nucleotide variant.
Coding change: c.3266A>G on transcript NM_002972.4 (MANE Select); coding-DNA position 3266, A replaced by G.
Protein change: p.Gln1089Arg; replaces glutamine 1089 with arginine.
Molecular consequence: missense variant.
Genome position (GRCh38, 1-based): chr22:50,460,289, T>C on the plus strand (A>G on the coding strand, the complement: SBF1 is on the minus strand). VCF-style: chr22-50460289-T-C. GRCh37 (hg19) VCF-style: chr22-50898718-T-C.
Other names: c.3269A>G, p.Gln1090Arg (NM_001365819.1); short protein forms Q1090R, Q1089R.
Identifiers: ClinVar variation 1392841 (VCV001392841.6), dbSNP rs2067449286, ClinGen allele CA412206595.
Genomic context (GRCh38, chr22:50,460,289, plus strand): 5'-CAGCATCCAGAGACCACCCAGGACTCCACCCCCACCCCTCCACCTGAGATCTCGTCCTCC[T>C]GGTCCTCAGGGGGCGGCTGGCCCCGGTGCTCCCAGCTGGGGGGGTTGTACTTCTTGCGAG-3'
Protein context (NP_002963.2, residues 1079-1099): EHRGQPPPED[Gln1089Arg]EDEISVSEEL